The following is an entry in ClinVar:

NM_004281.4(BAG3):c.211C>T (p.Arg71Trp)

Gene: BAG3 (BAG cochaperone 3; plus strand). Cytogenetic location: 10q26.11.
Variant type: single nucleotide variant.
Coding change: c.211C>T on transcript NM_004281.4 (MANE Select); coding-DNA position 211, C replaced by T.
Protein change: p.Arg71Trp; replaces arginine 71 with tryptophan.
Molecular consequence: missense variant.
Genome position (GRCh38, 1-based): chr10:119,669,881, C>T. VCF-style: chr10-119669881-C-T. GRCh37 (hg19) VCF-style: chr10-121429393-C-T.
Other names: short protein forms R71W.
Identifiers: ClinVar variation 30396 (VCV000030396.36), dbSNP rs387906874, ClinGen allele CA259788.
Genomic context (GRCh38, chr10:119,669,881, plus strand): 5'-CAGCCTGTGTTTCTCCACTTTTTATTTCAGGAGACTCCATCCTCTGCCAATGGCCCTTCC[C>T]GGGAGGGCTCTAGGCTGCCGCCTGCTAGGGAAGGCCACCCTGTGTACCCCCAGCTCCGAC-3'
Protein context (NP_004272.2, residues 61-81): ETPSSANGPS[Arg71Trp]EGSRLPPARE

ClinVar aggregate classification (germline): Conflicting classifications of pathogenicity. Review status: criteria provided, conflicting classifications (1 of 4 stars). 13 submissions from 13 submitters: Uncertain significance (3); Likely benign (8). 2 of the submissions do not count toward it. Last evaluated 2025-12-22.

Conditions:
Cardiovascular phenotype. Identifiers: MedGen CN230736.
Dilated cardiomyopathy 1HH (CMD1HH). Identifiers: Orphanet 154, MedGen C3151293, MONDO:0013479, OMIM 613881.
Myofibrillar myopathy 6. Identifiers: Orphanet 199340, MedGen C2751831, MONDO:0013061, OMIM 612954.
Primary dilated cardiomyopathy (DCM). Also called: Dilated Cardiomyopathy. Identifiers: Orphanet 217604, MedGen C0007193, MeSH D002311, MONDO:0005021, HP:0001644. Inheritance: Various modes of inheritance.

Allele frequency attached by ClinVar (database versions not stated): TOPMed 0.00003; gnomAD 0.00007 and 0.00008; gnomAD exomes 0.00007 and 0.00014; ExAC 0.00012.

Submissions (13):

Labcorp Genetics (formerly Invitae), Labcorp
Classification: Likely benign for Dilated cardiomyopathy 1HH; Myofibrillar myopathy 6. Last evaluated: 2025-12-22. Review status: criteria provided, single submitter. Criteria: Invitae Variant Classification Sherloc (09022015). Collection method: clinical testing. Allele origin: germline.

Mayo Clinic Laboratories, Mayo Clinic
Classification: Likely benign. Last evaluated: 2025-08-07. Review status: criteria provided, single submitter. Criteria: ACMG Guidelines, 2015. Collection method: clinical testing. Allele origin: germline. Observed: 2 variant alleles.
Comment: BS2, BP5

CeGaT Center for Human Genetics Tuebingen
Classification: Likely benign. Last evaluated: 2025-04-01. Review status: criteria provided, single submitter. Criteria: CeGaT Center For Human Genetics Tuebingen Variant Classification Criteria Version 2. Collection method: clinical testing. Allele origin: germline. Affected: yes. Observed: 1 variant allele.
Comment: BAG3: BP4

Laboratory of Genetics, Children's Clinical University Hospital Latvia
Classification: Likely benign. Last evaluated: 2025-02-16. Review status: criteria provided, single submitter. Criteria: ACMG Guidelines, 2015. Collection method: clinical testing. Allele origin: germline. Affected: yes.

Blueprint Genetics
Classification: Likely benign. Last evaluated: 2024-04-10. Review status: criteria provided, single submitter. Criteria: ACMG Guidelines, 2015. Collection method: clinical testing. Allele origin: germline.

Lildballe Lab, Aarhus University Hospital
Classification: Uncertain significance for dilated cardiomyopathy. Last evaluated: 2024-03-01. Review status: criteria provided, single submitter. Criteria: ACMG Guidelines, 2015. Collection method: research. Allele origin: germline. Affected: yes.
Comment: PM2(s), BP6(sup)

Women's Health and Genetics/Laboratory Corporation of America, LabCorp
Classification: Likely benign. Last evaluated: 2023-05-16. Review status: criteria provided, single submitter. Criteria: LabCorp Variant Classification Summary - May 2015. Collection method: clinical testing. Allele origin: germline.
Comment: Variant summary: BAG3 c.211C>T (p.Arg71Trp) results in a non-conservative amino acid change in the encoded protein sequence. Three of five in-silico tools predict a damaging effect of the variant on protein function. The variant allele was found at a frequency of 0.00014 in 251304 control chromosomes (gnomAD). The observed variant frequency is approximately 4-fold of the estimated maximal expected allele frequency for a pathogenic variant in BAG3 causing Dilated Cardiomyopathy phenotype (3.9e-05), strongly suggesting that the variant is benign. c.211C>T has been reported in the literature in two individuals affected with Dilated Cardiomyopathy from the same family, however both also shared variants in other cardiac-related genes (Norton_2011, Cowan_2018). This report does not provide unequivocal conclusions about association of the variant with Dilated Cardiomyopathy. The variant has also been reported in an individual with an unknown/unspecified cardiomyopathy who had a co-occurring pathogenic variant in MYBPC3 (c.1505G>A, p.Arg502Gln), providing supporting evidence for a benign role (van Lint_2019). To our knowledge, no experimental evidence demonstrating an impact on protein function has been reported. The following publications have been ascertained in the context of this evaluation (PMID: 30012837, 21353195, 30847666). Five clinical diagnostic laboratories have submitted clinical-significance assessments for this variant to ClinVar after 2014 and classified the variant as either VUS (n=3) or likely benign (n=2). Based on the evidence outlined above, the variant was classified as likely benign.

Ambry Genetics
Classification: Likely benign for Cardiovascular phenotype. Last evaluated: 2023-05-04. Review status: criteria provided, single submitter. Criteria: Ambry Variant Classification Scheme 2023. Collection method: clinical testing. Allele origin: germline.

ARUP Laboratories, Molecular Genetics and Genomics, ARUP Laboratories
Classification: Uncertain significance. Last evaluated: 2020-10-25. Review status: criteria provided, single submitter. Criteria: ARUP Molecular Germline Variant Investigation Process 2021. Collection method: clinical testing. Allele origin: germline.
Comment: The BAG3 c.211C>T; p.Arg71Trp variant (rs387906874) is reported in the literature in several individuals affected with cardiomyopathy (Norton 2011, Cowan 2018, van Lint 2019). This variant is also reported in ClinVar (Variation ID: 30396). This variant is found in the Finnish European population with an allele frequency of 0.07% (17/25104 alleles) in the Genome Aggregation Database. The arginine at codon 71 is moderately conserved, and computational analyses are uncertain whether this variant is neutral or deleterious (REVEL: 0.37). Due to limited information, the clinical significance of the p.Arg71Trp variant is uncertain at this time. Pathogenic variants in BAG3 are associated with autosomal dominant dilated cardiomyopathy 1HH (MIM: 613881) and myofibrillar myopathy 6 (MIM: 612954). References: Norton et al. Genome-wide studies of copy number variation and exome sequencing identify rare variants in BAG3 as a cause of dilated cardiomyopathy. Am J Hum Genet. 2011 Mar 11;88(3):273-82. Cowan et al. Multigenic Disease and Bilineal Inheritance in Dilated Cardiomyopathy Is Illustrated in Nonsegregating LMNA Pedigrees. Circ Genom Precis Med. 2018 Jul;11(7):e002038. van Lint et al. Large next-generation sequencing gene panels in genetic heart disease: yield of pathogenic variants and variants of unknown significance. Neth Heart J. 2019 Jun;27(6):304-309.

Center for Advanced Laboratory Medicine, UC San Diego Health, University of California San Diego
Classification: Likely benign for Dilated cardiomyopathy. Last evaluated: 2019-05-14. Review status: criteria provided, single submitter. Criteria: ACMG Guidelines, 2015. Collection method: clinical testing. Allele origin: germline. Affected: yes. Observed: 1 variant allele.

Fulgent Genetics
Classification: Uncertain significance for Myofibrillar myopathy 6; Dilated cardiomyopathy 1HH. Last evaluated: 2018-10-31. Review status: criteria provided, single submitter. Criteria: ACMG Guidelines, 2015. Collection method: clinical testing. Allele origin: unknown.

OMIM
Classification: Pathogenic for CARDIOMYOPATHY, DILATED, 1HH. Last evaluated: 2011-03-11. Review status: no assertion criteria provided. Collection method: literature only. Allele origin: germline. Not counted in ClinVar's aggregate classification.

University of Washington Center for Mendelian Genomics, University of Washington
Classification: Uncertain significance for Dilated Cardiomyopathy. Review status: no assertion criteria provided. Collection method: research. Allele origin: inherited. Affected: yes. Not counted in ClinVar's aggregate classification.

Literature cited by the submitters: PubMed 21353195 (cited by 4 submitters); PubMed 22337857 (cited by Mayo Clinic Laboratories, Mayo Clinic and Ambry Genetics); PubMed 26183555 (cited by Mayo Clinic Laboratories, Mayo Clinic); PubMed 30012837 (cited by 4 submitters); PubMed 30847666 (cited by 3 submitters); PubMed 30871348 (cited by Mayo Clinic Laboratories, Mayo Clinic); PubMed 32859500 (cited by Mayo Clinic Laboratories, Mayo Clinic); PubMed 36264615 (cited by Mayo Clinic Laboratories, Mayo Clinic); PubMed 39481677 (cited by Mayo Clinic Laboratories, Mayo Clinic and Lildballe Lab, Aarhus University Hospital); PubMed 25741870 (cited by Lildballe Lab, Aarhus University Hospital).